The following is an entry in ClinVar:

ClinVar aggregate classification (germline): Uncertain significance. Review status: criteria provided, multiple submitters, no conflicts (2 of 4 stars). 4 submissions from 4 submitters: Uncertain significance (2). 2 of the submissions do not count toward it. Last evaluated 2022-12-16.

Conditions:
Retinal dystrophy. Also called: Inherited retinal dystrophy. Identifiers: Orphanet 71862, MedGen C0854723, MeSH D058499, MONDO:0019118, HP:0000556.

Allele frequency attached by ClinVar (database versions not stated): gnomAD 0.00007 and 0.00008; TOPMed 0.00007; ESP Exome Variant Server 0.00008.
gnomAD v4.1: 76 of 1,614,068 alleles (0.0047%); highest among the groups gnomAD compares: Middle Eastern, 0.066%; no homozygotes.

Submissions (4):

Blueprint Genetics
Classification: Uncertain significance. Last evaluated: 2022-12-16. Review status: criteria provided, single submitter. Criteria: ACMG Guidelines, 2015. Collection method: clinical testing. Allele origin: germline.

Labcorp Genetics (formerly Invitae), Labcorp
Classification: Uncertain significance. Last evaluated: 2020-11-19. Review status: criteria provided, single submitter. Criteria: Invitae Variant Classification Sherloc (09022015). Collection method: clinical testing. Allele origin: germline.
Comment: This variant is present in population databases (rs199511035, ExAC 0.02%). In summary, the available evidence is currently insufficient to determine the role of this variant in disease. Therefore, it has been classified as a Variant of Uncertain Significance. Algorithms developed to predict the effect of missense changes on protein structure and function (SIFT, PolyPhen-2, Align-GVGD) all suggest that this variant is likely to be tolerated, but these predictions have not been confirmed by published functional studies and their clinical significance is uncertain. This variant has not been reported in the literature in individuals with SNRNP200-related conditions. This sequence change replaces alanine with valine at codon 1811 of the SNRNP200 protein (p.Ala1811Val). The alanine residue is moderately conserved and there is a small physicochemical difference between alanine and valine.

Institute of Human Genetics, Univ. Regensburg, Univ. Regensburg
Classification: Uncertain significance for Retinal dystrophy. Last evaluated: 2023-01-01. Review status: no assertion criteria provided. Criteria: ACMG Guidelines, 2015. Collection method: clinical testing. Allele origin: germline. Affected: yes. Not counted in ClinVar's aggregate classification.

Department of Pathology and Laboratory Medicine, Sinai Health System
Classification: Uncertain significance. Review status: no assertion criteria provided. Collection method: clinical testing. Allele origin: unknown. Affected: yes. Study: The Canadian Open Genetics Repository (COGR). Not counted in ClinVar's aggregate classification.
Comment: The SNRNP200 p.Ala1811Val variant was not identified in the literature nor was it identified in ClinVar, Cosmic or LOVD 3.0. The variant was identified in dbSNP (ID: rs199511035) and was also identified in control databases in 16 of 282652 chromosomes at a frequency of 0.000057 (Genome Aggregation Database Feb 27, 2017). The variant was observed in the following populations: European (non-Finnish) in 14 of 129000 chromosomes (freq: 0.000109), African in 1 of 24954 chromosomes (freq: 0.00004) and Latino in 1 of 35430 chromosomes (freq: 0.000028), while the variant was not observed in the Ashkenazi Jewish, East Asian, European (Finnish), Other and South Asian populations. The variant occurs outside of the splicing consensus sequence and in silico or computational prediction software programs (SpliceSiteFinder, MaxEntScan, NNSPLICE, GeneSplicer) do not predict a difference in splicing. The p.Ala1811 residue is conserved in mammals but not in more distantly related organisms however four out of five computational analyses (PolyPhen-2, SIFT, AlignGVGD, BLOSUM) do not suggest a high likelihood of impact to the protein; this information is not predictive enough to rule out pathogenicity. In summary, based on the above information the clinical significance of this variant cannot be determined with certainty at this time. This variant is classified as a variant of uncertain significance.

NM_014014.5(SNRNP200):c.5432C>T (p.Ala1811Val)

Gene: SNRNP200 (small nuclear ribonucleoprotein U5 subunit 200; minus strand). Cytogenetic location: 2q11.2.
Variant type: single nucleotide variant.
Coding change: c.5432C>T on transcript NM_014014.5 (MANE Select); coding-DNA position 5432, C replaced by T.
Protein change: p.Ala1811Val; replaces alanine 1811 with valine.
Molecular consequence: missense variant.
Genome position (GRCh38, 1-based): chr2:96,278,603, G>A on the plus strand (C>T on the coding strand, the complement: SNRNP200 is on the minus strand). VCF-style: chr2-96278603-G-A. GRCh37 (hg19) VCF-style: chr2-96944341-G-A.
Other names: short protein forms A1811V.
Identifiers: ClinVar variation 1050697 (VCV001050697.11), dbSNP rs199511035, ClinGen allele CA1777974.